The following is an entry in ClinVar:

NM_198253.3(TERT):c.1932G>A (p.Thr644=)

Gene: TERT (telomerase reverse transcriptase; minus strand). Cytogenetic location: 5p15.33.
Variant type: single nucleotide variant.
Coding change: c.1932G>A on transcript NM_198253.3 (MANE Select); coding-DNA position 1932, G replaced by A.
Protein change: p.Thr644=; no amino-acid change (threonine 644 retained).
Molecular consequence: synonymous variant. On other transcripts: non-coding transcript variant (2).
Genome position (GRCh38, 1-based): chr5:1,280,176, C>T on the plus strand (G>A on the coding strand, the complement: TERT is on the minus strand). VCF-style: chr5-1280176-C-T. GRCh37 (hg19) VCF-style: chr5-1280291-C-T.
Other names: c.1932G>A, p.Thr644= (NM_001193376.3).
Identifiers: ClinVar variation 416292 (VCV000416292.24), dbSNP rs148582238, ClinGen allele CA3184724.

ClinVar aggregate classification (germline): Benign/Likely benign. Review status: criteria provided, multiple submitters, no conflicts (2 of 4 stars). 8 submissions from 7 submitters: Benign (1); Likely benign (6). 1 of the submissions does not count toward it. Last evaluated 2025-12-20.

Conditions:
TERT-related disorder. Also called: TERT-related condition; TERT-related disorders.
Pulmonary fibrosis and/or bone marrow failure, Telomere-related, 1. Also called: PULMONARY FIBROSIS AND/OR BONE MARROW FAILURE SYNDROME, TELOMERE-RELATED, 1. Identifiers: Orphanet 88, MedGen C3553617, MONDO:0013878, OMIM 614742.
Interstitial lung disease 2 (ILD2). Also called: Familial idiopathic pulmonary fibrosis; FIBROCYSTIC PULMONARY DYSPLASIA; FIBROSING ALVEOLITIS, CRYPTOGENIC. Identifiers: Orphanet 2032, Orphanet 79126, MedGen C5561926, MONDO:0800497, OMIM 178500, MONDO:0800029.
Aplastic anemia. Identifiers: Orphanet 182040, Orphanet 88, MedGen C0002874, MONDO:0015909, OMIM 609135, HP:0001915.
Acute myeloid leukemia (AML). Also called: Leukemia, acute myeloid, somatic; Leukemia, acute myelogenous, somatic; Acute myeloid leukemia, adult; AML adult; Acute non-lymphocytic leukemia; Acute granulocytic leukemia. Identifiers: Orphanet 519, MedGen C0023467, MeSH D015470, MONDO:0018874, OMIM 601626, HP:0004808. Disease mechanism: Constitutively activated FLT3.
Dyskeratosis congenita, autosomal dominant 2. Identifiers: MedGen C3151443, MONDO:0013521, OMIM 613989.
Melanoma, cutaneous malignant, susceptibility to, 9. Also called: Cutaneous malignant melanoma 9. Identifiers: Orphanet 618, MedGen C3554574, MONDO:0014056, OMIM 615134.
Dyskeratosis congenita, autosomal dominant 1 (DKCA1). Also called: Dyskeratosis congenita Scoggins type. Identifiers: Orphanet 1775, MedGen C4551974, MONDO:0007485, OMIM 127550. Inheritance: Variable.
Idiopathic Pulmonary Fibrosis. Also called: Idiopathic fibrosing alveolitis, chronic form; idiopathic fibrosing alveolitis. Identifiers: Orphanet 2032, MedGen C1800706, MeSH D054990, MONDO:0800504.
Dyskeratosis congenita. Identifiers: Orphanet 1775, MedGen C0265965, MONDO:0015780.

Allele frequency attached by ClinVar (database versions not stated): ESP Exome Variant Server 0.00008; gnomAD 0.00030 and 0.00031; TOPMed 0.00031; 1000 Genomes Project 0.00060; 1000 Genomes Project 30x 0.00062.
gnomAD v4.1: 108 of 1,614,108 alleles (0.0067%); highest among the groups gnomAD compares: African/African-American, 0.095%; 1 homozygote.

Submissions (8):

Labcorp Genetics (formerly Invitae), Labcorp
Classification: Likely benign for Dyskeratosis congenita, autosomal dominant 2; Idiopathic Pulmonary Fibrosis. Last evaluated: 2025-12-20. Review status: criteria provided, single submitter. Criteria: Invitae Variant Classification Sherloc (09022015). Collection method: clinical testing. Allele origin: germline.

KCCC/NGS Laboratory, Kuwait Cancer Control Center
Classification: Benign for Melanoma, cutaneous malignant, susceptibility to, 9. Last evaluated: 2025-02-01. Review status: criteria provided, single submitter. Criteria: ACMG Guidelines, 2015. Collection method: clinical testing. Allele origin: germline. Affected: no.

Blueprint Genetics
Classification: Likely benign. Last evaluated: 2024-10-09. Review status: criteria provided, single submitter. Criteria: ACMG Guidelines, 2015. Collection method: clinical testing. Allele origin: germline.

KCCC/NGS Laboratory, Kuwait Cancer Control Center
Classification: Likely benign for Acute myeloid leukemia. Last evaluated: 2023-07-07. Review status: criteria provided, single submitter. Criteria: ACMG Guidelines, 2015. Collection method: clinical testing. Allele origin: germline. Affected: yes.

Fulgent Genetics
Classification: Likely benign for Dyskeratosis congenita, autosomal dominant 1; Interstitial lung disease 2; Acute myeloid leukemia; Aplastic anemia; Dyskeratosis congenita, autosomal dominant 2; Pulmonary fibrosis and/or bone marrow failure, Telomere-related, 1; Melanoma, cutaneous malignant, susceptibility to, 9. Last evaluated: 2022-03-17. Review status: criteria provided, single submitter. Criteria: ACMG Guidelines, 2015. Collection method: clinical testing. Allele origin: unknown.

Ambry Genetics
Classification: Likely benign for Dyskeratosis congenita. Last evaluated: 2022-02-15. Review status: criteria provided, single submitter. Criteria: Ambry Variant Classification Scheme 2023. Collection method: clinical testing. Allele origin: germline.

Genetic Services Laboratory, University of Chicago
Classification: Likely benign. Last evaluated: 2021-12-23. Review status: criteria provided, single submitter. Criteria: ACMG Guidelines, 2015. Collection method: clinical testing. Allele origin: germline. Affected: no.

PreventionGenetics, part of Exact Sciences
Classification: Likely benign for TERT-related condition. Last evaluated: 2022-09-30. Review status: no assertion criteria provided. Collection method: clinical testing. Allele origin: germline. Not counted in ClinVar's aggregate classification.
Comment: This variant is classified as likely benign based on ACMG/AMP sequence variant interpretation guidelines (Richards et al. 2015 PMID: 25741868, with internal and published modifications).